The following is an entry in ClinVar:

NM_000081.4(LYST):c.6580G>T (p.Val2194Leu)

Gene: LYST (lysosomal trafficking regulator; minus strand). Cytogenetic location: 1q42.3.
Variant type: single nucleotide variant.
Coding change: c.6580G>T on transcript NM_000081.4 (MANE Select); coding-DNA position 6580, G replaced by T.
Protein change: p.Val2194Leu; replaces valine 2194 with leucine.
Molecular consequence: missense variant.
Genome position (GRCh38, 1-based): chr1:235,759,273, C>A on the plus strand (G>T on the coding strand, the complement: LYST is on the minus strand). VCF-style: chr1-235759273-C-A. GRCh37 (hg19) VCF-style: chr1-235922573-C-A.
Other names: c.6580G>T, p.Val2194Leu (NM_001301365.1); short protein forms V2194L.
Identifiers: ClinVar variation 1039252 (VCV001039252.2), dbSNP rs1185692657, ClinGen allele CA344940730.

ClinVar aggregate classification (germline): Uncertain significance (1 of 4 stars; one submission).

Conditions:
Chédiak-Higashi syndrome (CHS). Also called: Chediak-Higashi Syndrome. Identifiers: Orphanet 167, MedGen C0007965, MONDO:0008963, OMIM 214500.

gnomAD v4.1: 2 of 1,614,194 alleles (0.00012%); highest among the groups gnomAD compares: African/African-American, 0.0013%; no homozygotes.

Submission:

Labcorp Genetics (formerly Invitae), Labcorp
Classification: Uncertain significance for Chédiak-Higashi syndrome. Last evaluated: 2022-06-03. Review status: criteria provided, single submitter. Criteria: Invitae Variant Classification Sherloc (09022015). Collection method: clinical testing. Allele origin: germline.
Comment: This sequence change replaces valine, which is neutral and non-polar, with leucine, which is neutral and non-polar, at codon 2194 of the LYST protein (p.Val2194Leu). This variant is present in population databases (no rsID available, gnomAD 0.0009%). This variant has not been reported in the literature in individuals affected with LYST-related conditions. ClinVar contains an entry for this variant (Variation ID: 1039252). Algorithms developed to predict the effect of missense changes on protein structure and function (SIFT, PolyPhen-2, Align-GVGD) all suggest that this variant is likely to be tolerated. In summary, the available evidence is currently insufficient to determine the role of this variant in disease. Therefore, it has been classified as a Variant of Uncertain Significance.